The following is an entry in ClinVar:

NC_000001.10:g.(?_165697260)_(165738141_?)del

Gene: TMCO1 (transmembrane and coiled-coil domains 1; minus strand). Cytogenetic location: 1q24.1.
Variant type: Deletion.
Identifiers: ClinVar variation 3248013 (VCV003248013.1).

ClinVar aggregate classification (germline): Pathogenic (1 of 4 stars; one submission).

Submission:

Labcorp Genetics (formerly Invitae), Labcorp
Classification: Pathogenic. Last evaluated: 2023-11-21. Review status: criteria provided, single submitter. Criteria: Invitae Variant Classification Sherloc (09022015). Collection method: clinical testing. Allele origin: unknown.
Comment: A gross deletion of the genomic region encompassing the full coding sequence of the TMCO1 gene has been identified. Loss-of-function variants in TMCO1 are known to be pathogenic (PMID: 20018682, 23320496, 24194475, 24424126). The boundaries of this event are unknown as they extend beyond the assayed region for this gene and therefore may encompass additional genes. This variant has not been reported in the literature in individuals affected with TMCO1-related conditions. For these reasons, this variant has been classified as Pathogenic.

Literature cited by the submitters: PubMed 20018682; PubMed 23320496; PubMed 24194475; PubMed 24424126.